The following is an entry in ClinVar:

NM_182493.3(MYLK3):c.1631A>G (p.Lys544Arg)

Gene: MYLK3 (myosin light chain kinase 3; minus strand). Cytogenetic location: 16q11.2.
Variant type: single nucleotide variant.
Coding change: c.1631A>G on transcript NM_182493.3 (MANE Select); coding-DNA position 1631, A replaced by G.
Protein change: p.Lys544Arg; replaces lysine 544 with arginine.
Molecular consequence: missense variant.
Genome position (GRCh38, 1-based): chr16:46,729,625, T>C on the plus strand (A>G on the coding strand, the complement: MYLK3 is on the minus strand). VCF-style: chr16-46729625-T-C. GRCh37 (hg19) VCF-style: chr16-46763537-T-C.
Other names: c.608A>G, p.Lys203Arg (NM_001308301.1); short protein forms K544R, K203R.
Identifiers: ClinVar variation 2710427 (VCV002710427.3), dbSNP rs2548904665, ClinGen allele CA395791117.

ClinVar aggregate classification (germline): Uncertain significance (1 of 4 stars; one submission).

Submission:

Labcorp Genetics (formerly Invitae), Labcorp
Classification: Uncertain significance. Last evaluated: 2024-01-20. Review status: criteria provided, single submitter. Criteria: Invitae Variant Classification Sherloc (09022015). Collection method: clinical testing. Allele origin: germline.
Comment: This sequence change replaces lysine, which is basic and polar, with arginine, which is basic and polar, at codon 544 of the MYLK3 protein (p.Lys544Arg). This variant is not present in population databases (gnomAD no frequency). This variant has not been reported in the literature in individuals affected with MYLK3-related conditions. An algorithm developed to predict the effect of missense changes on protein structure and function (PolyPhen-2) suggests that this variant is likely to be disruptive. In summary, the available evidence is currently insufficient to determine the role of this variant in disease. Therefore, it has been classified as a Variant of Uncertain Significance.